The following is an entry in ClinVar:

NM_017780.4(CHD7):c.22A>T (p.Ser8Cys)

Gene: CHD7 (chromodomain helicase DNA binding protein 7; plus strand). Cytogenetic location: 8q12.2.
Variant type: single nucleotide variant.
Coding change: c.22A>T on transcript NM_017780.4 (MANE Select); coding-DNA position 22, A replaced by T.
Protein change: p.Ser8Cys; replaces serine 8 with cysteine.
Molecular consequence: missense variant.
Genome position (GRCh38, 1-based): chr8:60,741,454, A>T. VCF-style: chr8-60741454-A-T. GRCh37 (hg19) VCF-style: chr8-61654013-A-T.
Other names: c.22A>T, p.Ser8Cys (NM_001316690.1); short protein forms S8C.
Identifiers: ClinVar variation 1809956 (VCV001809956.3), dbSNP rs2487256672, ClinGen allele CA371295087.

ClinVar aggregate classification (germline): Uncertain significance (1 of 4 stars; one submission).

Submission:

GeneDx
Classification: Uncertain significance. Last evaluated: 2026-08-28. Review status: criteria provided, single submitter. Criteria: GeneDx Variant Classification Process June 2021. Collection method: clinical testing. Allele origin: germline.
Comment: Not observed at significant frequency in large population cohorts (gnomAD); In silico analysis supports that this missense variant has a deleterious effect on protein structure/function; Has not been previously published as pathogenic or benign to our knowledge